The following is an entry in ClinVar:

NM_001849.4(COL6A2):c.2893C>A (p.Arg965Ser)

Gene: COL6A2 (collagen type VI alpha 2 chain; plus strand). Cytogenetic location: 21q22.3.
Variant type: single nucleotide variant.
Coding change: c.2893C>A on transcript NM_001849.4 (MANE Select); coding-DNA position 2893, C replaced by A.
Protein change: p.Arg965Ser; replaces arginine 965 with serine.
Molecular consequence: missense variant.
Genome position (GRCh38, 1-based): chr21:46,132,385, C>A. VCF-style: chr21-46132385-C-A. GRCh37 (hg19) VCF-style: chr21-47552299-C-A.
Other names: short protein forms R965S.
Identifiers: ClinVar variation 1470411 (VCV001470411.6), dbSNP rs201188174, ClinGen allele CA410549951.

ClinVar aggregate classification (germline): Uncertain significance (1 of 4 stars; one submission).

Conditions:
Bethlem myopathy 1A. Also called: Bethlem myopathy 1; Bethlem Muscular Dystrophy; MYOPATHY, BENIGN CONGENITAL, WITH CONTRACTURES. Identifiers: Orphanet 610, MedGen CN029274, MONDO:0024530, OMIM 158810.

Submission:

Labcorp Genetics (formerly Invitae), Labcorp
Classification: Uncertain significance for Bethlem myopathy 1A. Last evaluated: 2021-11-12. Review status: criteria provided, single submitter. Criteria: Invitae Variant Classification Sherloc (09022015). Collection method: clinical testing. Allele origin: germline.
Comment: In summary, the available evidence is currently insufficient to determine the role of this variant in disease. Therefore, it has been classified as a Variant of Uncertain Significance. Advanced modeling of protein sequence and biophysical properties (such as structural, functional, and spatial information, amino acid conservation, physicochemical variation, residue mobility, and thermodynamic stability) performed at Invitae indicates that this missense variant is not expected to disrupt COL6A2 protein function. This variant has not been reported in the literature in individuals affected with COL6A2-related conditions. This variant is not present in population databases (gnomAD no frequency). This sequence change replaces arginine, which is basic and polar, with serine, which is neutral and polar, at codon 965 of the COL6A2 protein (p.Arg965Ser).